The following is an entry in ClinVar:

ClinVar aggregate classification (germline): Uncertain significance (1 of 4 stars; one submission).

Conditions:
Fanconi anemia complementation group E (FANCE). Also called: FANCE-Related Fanconi Anemia. Identifiers: Orphanet 84, MedGen C3160739, MONDO:0010953, OMIM 600901.

gnomAD v4.1: 1 of 1,251,342 alleles (0.00008%); highest among the groups gnomAD compares: Non-Finnish European, 0.0001%; no homozygotes.

Submission:

Labcorp Genetics (formerly Invitae), Labcorp
Classification: Uncertain significance for Fanconi anemia complementation group E. Last evaluated: 2024-06-16. Review status: criteria provided, single submitter. Criteria: Invitae Variant Classification Sherloc (09022015). Collection method: clinical testing. Allele origin: germline.
Comment: This sequence change replaces arginine, which is basic and polar, with cysteine, which is neutral and slightly polar, at codon 62 of the FANCE protein (p.Arg62Cys). This variant is not present in population databases (gnomAD no frequency). This variant has not been reported in the literature in individuals affected with FANCE-related conditions. Advanced modeling of protein sequence and biophysical properties (such as structural, functional, and spatial information, amino acid conservation, physicochemical variation, residue mobility, and thermodynamic stability) performed at Invitae indicates that this missense variant is not expected to disrupt FANCE protein function with a negative predictive value of 80%. In summary, the available evidence is currently insufficient to determine the role of this variant in disease. Therefore, it has been classified as a Variant of Uncertain Significance.

NM_021922.3(FANCE):c.184C>T (p.Arg62Cys)

Genes: FANCE (FA complementation group E; plus strand), LOC129996245 (ATAC-STARR-seq lymphoblastoid silent region 17092; plus strand). Cytogenetic location: 6p21.31.
Variant type: single nucleotide variant.
Coding change: c.184C>T on transcript NM_021922.3 (MANE Select); coding-DNA position 184, C replaced by T.
Protein change: p.Arg62Cys; replaces arginine 62 with cysteine.
Molecular consequence: missense variant.
Genome position (GRCh38, 1-based): chr6:35,452,729, C>T. VCF-style: chr6-35452729-C-T. GRCh37 (hg19) VCF-style: chr6-35420506-C-T.
Other names: c.184C>T, p.Arg62Cys (NM_001410876.1); short protein forms R62C.
Identifiers: ClinVar variation 3712552 (VCV003712552.2).